The following is an entry in ClinVar:

ClinVar aggregate classification (germline): Uncertain significance. Review status: criteria provided, single submitter (1 of 4 stars). 2 submissions from 2 submitters: Uncertain significance (1). 1 of the submissions does not count toward it. Last evaluated 2018-04-05.

Conditions:
Usher syndrome type 1F (USH1F). Also called: USHER SYNDROME, TYPE IF. Identifiers: Orphanet 231169, Orphanet 886, MedGen C1865885, MONDO:0011186, OMIM 602083.

Allele frequency attached by ClinVar (database versions not stated): TOPMed below 0.00001.
gnomAD v4.1: 21 of 1,571,420 alleles (0.0013%); highest among the groups gnomAD compares: Non-Finnish European, 0.0016%; no homozygotes.

Submissions (2):

Laboratory for Molecular Medicine, Mass General Brigham Personalized Medicine
Classification: Uncertain significance. Last evaluated: 2018-04-05. Review status: criteria provided, single submitter. Criteria: LMM Criteria. Collection method: clinical testing. Allele origin: germline. Observed: 1 variant allele.
Comment: The p.Pro1780Ser variant in PCDH15 has not been previously reported in individua ls with hearing loss or Usher syndrome, but has been identified in 1/70620 Europ ean and 1/10196 African chromosomes by the Genome Aggregation Database (gnomAD). Computational prediction tools and conservati on analysis suggest that the p.Pro1780Ser variant may not impact the protein, th ough this information is not predictive enough to rule out pathogenicity. In sum mary, the clinical significance of the p.Pro1780Ser variant is uncertain. ACMG/A MP Criteria applied: PM2_Supporting; BP4.

Natera, Inc.
Classification: Uncertain significance for Usher syndrome type 1F. Last evaluated: 2020-12-25. Review status: no assertion criteria provided. Collection method: clinical testing. Allele origin: germline. Not counted in ClinVar's aggregate classification.

NM_033056.4(PCDH15):c.5338C>T (p.Pro1780Ser)

Gene: PCDH15 (protocadherin related 15; minus strand). Cytogenetic location: 10q21.1.
Variant type: single nucleotide variant.
Coding change: c.5338C>T on transcript NM_033056.4 (MANE Plus Clinical); coding-DNA position 5338, C replaced by T.
Protein change: p.Pro1780Ser; replaces proline 1780 with serine.
Molecular consequence: missense variant. On other transcripts: intron variant (8).
Genome position (GRCh38, 1-based): chr10:53,822,388, G>A on the plus strand (C>T on the coding strand, the complement: PCDH15 is on the minus strand). VCF-style: chr10-53822388-G-A. GRCh37 (hg19) VCF-style: chr10-55582148-G-A.
Other names: c.5359C>T, p.Pro1787Ser (NM_001142763.2); c.5344C>T, p.Pro1782Ser (NM_001142764.2); c.5131C>T, p.Pro1711Ser (NM_001142765.2); c.5329C>T, p.Pro1777Ser (NM_001142766.2); c.5218C>T, p.Pro1740Ser (NM_001142767.2); c.5278C>T, p.Pro1760Ser (NM_001142768.2); c.5269C>T, p.Pro1757Ser (NM_001142773.2); c.5272C>T, p.Pro1758Ser (NM_001354404.2); and 7 more; short protein forms P1782S, P1711S, P1740S, P1757S, P1758S, P1760S, P1777S, P1780S.
Identifiers: ClinVar variation 666904 (VCV000666904.5), dbSNP rs751914445, ClinGen allele CA376525135.